The following is an entry in ClinVar:

ClinVar aggregate classification (germline): Likely benign. Review status: criteria provided, single submitter (1 of 4 stars). 2 submissions from 2 submitters: Likely benign (1). 1 of the submissions does not count toward it. Last evaluated 2024-12-04.

Conditions:
TMEM132E-related disorder. Also called: TMEM132E-related condition.

Allele frequency attached by ClinVar (database versions not stated): ExAC 0.00002; gnomAD exomes 0.00004; ESP Exome Variant Server 0.00015; 1000 Genomes Project 30x 0.00016; gnomAD 0.00017 and 0.00019; 1000 Genomes Project 0.00020; TOPMed 0.00022.
gnomAD v4.1: 56 of 1,613,414 alleles (0.0035%); highest among the groups gnomAD compares: African/African-American, 0.067%; 2 homozygotes.

Submissions (2):

Labcorp Genetics (formerly Invitae), Labcorp
Classification: Likely benign. Last evaluated: 2024-12-04. Review status: criteria provided, single submitter. Criteria: Invitae Variant Classification Sherloc (09022015). Collection method: clinical testing. Allele origin: germline.

PreventionGenetics, part of Exact Sciences
Classification: Likely benign for TMEM132E-related condition. Last evaluated: 2019-10-14. Review status: no assertion criteria provided. Collection method: clinical testing. Allele origin: germline. Not counted in ClinVar's aggregate classification.
Comment: This variant is classified as likely benign based on ACMG/AMP sequence variant interpretation guidelines (Richards et al. 2015 PMID: 25741868, with internal and published modifications).

NM_001304438.2(TMEM132E):c.2445G>A (p.Arg815=)

Gene: TMEM132E (transmembrane protein 132E; plus strand). Cytogenetic location: 17q12.
Variant type: single nucleotide variant.
Coding change: c.2445G>A on transcript NM_001304438.2 (MANE Select); coding-DNA position 2445, G replaced by A.
Protein change: p.Arg815=; no amino-acid change (arginine 815 retained).
Molecular consequence: synonymous variant.
Genome position (GRCh38, 1-based): chr17:34,637,452, G>A. VCF-style: chr17-34637452-G-A. GRCh37 (hg19) VCF-style: chr17-32964471-G-A.
Other names: c.2445G>A (NM_001304438.1).
Identifiers: ClinVar variation 1656574 (VCV001656574.10), dbSNP rs146508723, ClinGen allele CA8496952.
Genomic context (GRCh38, chr17:34,637,452, plus strand): 5'-AACCAAACGCAAGAGTGTGCTCGCCACGACCCCTGTGGGCCTGCGGGTGCACTTTGGGAG[G>A]GACGAGGAGGACCCCACTTATGACTACCCGGGCCCCAGCCAACCAGGGCCCGGCGGGGGC-3'
Protein context (NP_001291367.1, residues 805-825): TPVGLRVHFG[Arg815=]DEEDPTYDYP